The following is an entry in ClinVar:

ClinVar aggregate classification (germline): Pathogenic. Review status: reviewed by expert panel (3 of 4 stars). 34 submissions from 34 submitters: Pathogenic (1). 33 of the submissions do not count toward it. Last evaluated 2025-09-29.

Conditions:
AIPL1-related retinopathy. Also called: AIPL1 retinopathy. Identifiers: MedGen CN305590, MONDO:0100438.
AIPL1-related disorder. Also called: AIPL1-related disorders; AIPL1-related condition. Identifiers: MedGen CN239169.
Retinitis pigmentosa (RP). Identifiers: Orphanet 791, MedGen C0035334, MeSH D012174, MONDO:0019200, OMIM 268000. Inheritance: Autosomal dominant, autosomal recessive and X linked inheritance.
Leber congenital amaurosis 4 (LCA4). Identifiers: MedGen C1858386, MONDO:0011458, OMIM 604393.
Retinal dystrophy. Also called: Inherited retinal dystrophy. Identifiers: Orphanet 71862, MedGen C0854723, MeSH D058499, MONDO:0019118, HP:0000556.
Leber congenital amaurosis (LCA). Also called: Leber's amaurosis. Identifiers: Orphanet 65, MedGen C0339527, MeSH D057130, MONDO:0018998.
Retinal disorder. Also called: Retinopathies; Retinal Diseases; Retinal disorders; Retinopathy. Identifiers: MedGen C0035309, MONDO:0005283, HP:0000488.

Allele frequency attached by ClinVar (database versions not stated): 1000 Genomes Project 30x 0.00016; 1000 Genomes Project 0.00020; gnomAD exomes 0.00033 and 0.00036; ExAC 0.00037; gnomAD 0.00037 and 0.00038; TOPMed 0.00042.
gnomAD v4.1: 569 of 1,606,522 alleles (0.035%); highest among the groups gnomAD compares: Non-Finnish European, 0.044%; 1 homozygote.

Submissions 1 to 11 of 34:

ClinGen Leber Congenital Amaurosis/early Onset Retinal Dystrophy Variant Curation Expert Panel, ClinGen
Classification: Pathogenic for AIPL1-related retinopathy. Last evaluated: 2025-09-29. Review status: reviewed by expert panel. Criteria: ClinGen LCAeoRD ACMG Specifications AIPL1 V1.0.0. Collection method: curation. Allele origin: germline. Inheritance: Autosomal recessive inheritance.
Comment: NM_014336.5(AIPL1):c.834G>A (p.Trp278Ter) is a nonsense variant that introduces a premature stop codon into exon 6 of 6, and is predicted to lead to C-terminal truncation of a region that is critical to AIPL1 function (PVS1). The variant has been reported to segregate with childhood-onset severe retinal dystrophy through at least 3 probands plus 11 similarly affected relatives, with the variant present in the homozygous state (PP1_Strong; PMID: 10615133). At least one proband harboring this variant exhibits a phenotype including a diagnosis of Leber congenital amaurosis (0.5 pts) with blindness (1 pt) from birth (1 pt), absence of electroretinogram responses from both rods (0.5 pts) and cones (1 pt), and a fundus exam indicating pigmentary retinopathy with attenuated blood vessels (0.5 pts) and macular degeneration, which together are specific for AIPL1-related retinopathy (4.5 pts, PMID: 10615133). This variant is present in gnomAD v.4.1.0 at an allele frequency of 0.0003542, with 569/1606522 alleles which is lower than the ClinGen LCA / eoRD VCEP PM2_Supporting threshold of <0.0004 (PM2_Supporting). In summary, this variant meets the criteria to be classified as Pathogenic for AIPL1-related retinopathy based on the ACMG/AMP criteria applied, as specified by the ClinGen LCA/eoRD VCEP: PVS1, PP1_Strong, PP4, and PM2_Supporting. (VCEP specifications version 1.0.0; date of approval 9/24/2025).

PreventionGenetics, part of Exact Sciences
Classification: Pathogenic for AIPL1-related condition. Last evaluated: 2026-07-24. Review status: criteria provided, single submitter. Criteria: ACMG Guidelines, 2015. Collection method: clinical testing. Allele origin: germline. Not counted in ClinVar's aggregate classification.
Comment: The AIPL1 c.834G>A variant is predicted to result in premature protein termination (p.Trp278*). This variant has been reported to be causative for autosomal recessive Leber congenital amaurosis (Sohocki et al. 2000. PubMed ID: 10615133; Aboshiha et al. 2015. PubMed ID: 25596619). This variant is present in 0.061% of alleles in individuals of European (Non-Finnish) descent in gnomAD. Nonsense variants in AIPL1 are an established mechanism of disease. This variant is interpreted as pathogenic.

Labcorp Genetics (formerly Invitae), Labcorp
Classification: Pathogenic for Leber congenital amaurosis 4. Last evaluated: 2026-02-04. Review status: criteria provided, single submitter. Criteria: Invitae Variant Classification Sherloc (09022015). Collection method: clinical testing. Allele origin: germline. Not counted in ClinVar's aggregate classification.
Comment: This sequence change creates a premature translational stop signal (p.Trp278*) in the AIPL1 gene. While this is not anticipated to result in nonsense mediated decay, it is expected to disrupt the last 107 amino acid(s) of the AIPL1 protein. This variant is present in population databases (rs62637014, gnomAD 0.06%). This premature translational stop signal has been observed in individual(s) with Leber congenital amaurosis (PMID: 10615133, 10873396, 15249368, 21474771, 22412862). It has also been observed to segregate with disease in related individuals. ClinVar contains an entry for this variant (Variation ID: 5565). Algorithms developed to predict the effect of variants on gene product structure and function are not available or were not evaluated for this variant. Experimental studies have shown that this premature translational stop signal affects AIPL1 function (PMID: 15347646, 25799540). For these reasons, this variant has been classified as Pathogenic.

Research Institute for Ophthalmology and Vision Science, Shahid Beheshti University of Medical Sciences
Classification: Pathogenic for Leber congenital amaurosis. Last evaluated: 2025-12-08. Review status: criteria provided, single submitter. Criteria: ACMG Guidelines, 2015. Collection method: research. Allele origin: inherited. Inheritance: Autosomal recessive inheritance. Affected: yes. Not counted in ClinVar's aggregate classification.
Comment: This variant is a nonsense mutation (PVS1). Its frequency in gnomAD population databases is low. Multiple ClinVar submitters have classified the variant as pathogenic.

Genetics Laboratory, Great Ormond Street Hospital NHS Foundation Trust, North Thames Genomic Laboratory Hub
Classification: Pathogenic for Retinal disorders. Last evaluated: 2025-12-03. Review status: criteria provided, single submitter. Criteria: ACGS Best Practice Guidelines for Variant Classification in Rare Disease 2024 v1.2. Collection method: clinical testing. Allele origin: germline. Affected: yes. Not counted in ClinVar's aggregate classification.
Comment: PVS1_strong, PM3_very-strong

3billion
Classification: Pathogenic for AIPL1-related disorder. Last evaluated: 2025-11-26. Review status: criteria provided, single submitter. Criteria: ACMG Guidelines, 2015. Collection method: clinical testing. Allele origin: germline. Affected: yes. Not counted in ClinVar's aggregate classification.
Comment: The variant is observed at an extremely low frequency in the gnomAD v4.1.0 dataset (total allele frequency: 0.035%). Predicted Consequence/Location: Stop-gained (nonsense): predicted to result in a loss or disruption of normal protein function through protein truncation. The predicted truncated protein may be shortened by more than 10%. The variant has been reported to be in trans with a pathogenic variant as either compound heterozygous or homozygous in at least 2 similarly affected unrelated individuals (PMID: 20702822, 21474771). The variant has been reported to co-segregate with the disease in at least one similarly affected relative/individual in the same family or similarly affected unrelated families (PMID: 20702822, 21474771). The variant has been reported multiple times as an established pathogenic variant (ClinVar ID: VCV000005565 /PMID: 10615133 /3billion dataset). Therefore, this variant is classified as Pathogenic according to the recommendation of ACMG/AMP guideline.

Laboratory of Genetics, Children's Clinical University Hospital Latvia
Classification: Pathogenic. Last evaluated: 2025-02-16. Review status: criteria provided, single submitter. Criteria: ACMG Guidelines, 2015. Collection method: clinical testing. Allele origin: germline. Affected: yes. Not counted in ClinVar's aggregate classification.

Blueprint Genetics
Classification: Pathogenic for AIPL1-related disorders. Last evaluated: 2024-11-28. Review status: criteria provided, single submitter. Criteria: ACMG Guidelines, 2015. Collection method: clinical testing. Allele origin: germline. Affected: yes. Observed: 5 variant alleles. Not counted in ClinVar's aggregate classification.

Lab De Baere, Eye and Developmental Genetics Lab, Ghent University
Classification: Pathogenic for Leber congenital amaurosis. Last evaluated: 2024-10-01. Review status: criteria provided, single submitter. Criteria: ACMG Guidelines, 2015. Collection method: research. Allele origin: inherited. Affected: yes. Observed: 1 variant allele. Not counted in ClinVar's aggregate classification.
Comment: ACMG/AMP guidelines: PM2, PP4_PP, PVS1_PS2, PS3, PP1_PS, PM3_2

Institute of Human Genetics, University of Leipzig Medical Center
Classification: Pathogenic for Leber congenital amaurosis 4. Last evaluated: 2024-07-22. Review status: criteria provided, single submitter. Criteria: ACMG Guidelines, 2015. Collection method: clinical testing. Allele origin: unknown. Inheritance: Autosomal recessive inheritance. Affected: yes. Not counted in ClinVar's aggregate classification.
Comment: Criteria applied: PVS1,PM3,PM2_SUP

Ophthalmic Genetics Group, Institute of Molecular and Clinical Ophthalmology Basel
Classification: Pathogenic for Retinal dystrophy. Last evaluated: 2024-05-27. Review status: criteria provided, single submitter. Criteria: ACMG Guidelines, 2015. Collection method: research. Allele origin: germline. Affected: yes. Observed: 5 variant alleles. Not counted in ClinVar's aggregate classification.
Comment: This variant was classified as Pathogenic based on ACMG criteria: PVS1_strong, PS3_sup, PM2_mod and PM3_very strong

NM_014336.5(AIPL1):c.834G>A (p.Trp278Ter)

Gene: AIPL1 (AIP like 1 HSP90 co-chaperone; minus strand). Cytogenetic location: 17p13.2.
Variant type: single nucleotide variant.
Coding change: c.834G>A on transcript NM_014336.5 (MANE Select); coding-DNA position 834, G replaced by A.
Protein change: p.Trp278Ter; replaces tryptophan 278 with a stop codon.
Molecular consequence: nonsense. On other transcripts: 3 prime UTR variant (1).
Genome position (GRCh38, 1-based): chr17:6,425,781, C>T on the plus strand (G>A on the coding strand, the complement: AIPL1 is on the minus strand). VCF-style: chr17-6425781-C-T. GRCh37 (hg19) VCF-style: chr17-6329101-C-T.
Other names: NP_055151.3:p.(Trp278Ter); NM_014336.5(AIPL1):c.834G>A; p.Trp278Ter; c.645G>A, p.Trp215Ter (NM_001033054.3); c.654G>A, p.Trp218Ter (NM_001033055.3); c.798G>A, p.Trp266Ter (NM_001285399.3); c.768G>A, p.Trp256Ter (NM_001285400.3); c.762G>A, p.Trp254Ter (NM_001285401.3); and 2 more; short protein forms W278*, W256*, W218*, W254*, W215*, W239*, W266*.
Identifiers: ClinVar variation 5565 (VCV000005565.90), dbSNP rs62637014, ClinGen allele CA227899.